The following is an entry in ClinVar:

NM_001330260.2(SCN8A):c.3048C>T (p.His1016=)

Gene: SCN8A (sodium voltage-gated channel alpha subunit 8; plus strand). Cytogenetic location: 12q13.13.
Variant type: single nucleotide variant.
Coding change: c.3048C>T on transcript NM_001330260.2 (MANE Select); coding-DNA position 3048, C replaced by T.
Protein change: p.His1016=; no amino-acid change (histidine 1016 retained).
Molecular consequence: synonymous variant.
Genome position (GRCh38, 1-based): chr12:51,769,011, C>T. VCF-style: chr12-51769011-C-T. GRCh37 (hg19) VCF-style: chr12-52162795-C-T.
Other names: c.3048C>T, p.His1016= (NM_001177984.3, NM_001369788.1, NM_014191.4).
Identifiers: ClinVar variation 589501 (VCV000589501.10), dbSNP rs777076650, ClinGen allele CA6571537.
Genomic context (GRCh38, chr12:51,769,011, plus strand): 5'-CCTCCAGATCTCAGTGATCCGTATCAAGAAGGGTGTGGCCTGGACCAAACTAAAGGTGCA[C>T]GCCTTCATGCAGGCCCACTTTAAGCAGCGTGAGGCTGATGAGGTGAAGCCTCTGGATGAG-3'
Protein context (NP_001317189.1, residues 1006-1026): KGVAWTKLKV[His1016=]AFMQAHFKQR

ClinVar aggregate classification (germline): Conflicting classifications of pathogenicity. Review status: criteria provided, conflicting classifications (1 of 4 stars). 3 submissions from 3 submitters: Uncertain significance (1); Likely benign (2). Last evaluated 2024-01-29.

Conditions:
Early-infantile DEE. Also called: Early infantile epileptic encephalopathy; Early infantile epileptic encephalopathy with suppression bursts; Ohtahara syndrome. Identifiers: Orphanet 1934, MedGen C0393706, MONDO:0800491.
Inborn genetic diseases. Identifiers: MedGen C0950123, MeSH D030342.

Allele frequency attached by ClinVar (database versions not stated): gnomAD exomes 0.00001 and 0.00002; gnomAD 0.00001; TOPMed below 0.00001; ExAC 0.00001.
gnomAD v4.1: 14 of 1,613,866 alleles (0.00087%); highest among the groups gnomAD compares: South Asian, 0.0077%; no homozygotes.

Submissions (3):

Labcorp Genetics (formerly Invitae), Labcorp
Classification: Likely benign for Early-infantile DEE. Last evaluated: 2024-01-29. Review status: criteria provided, single submitter. Criteria: Invitae Variant Classification Sherloc (09022015). Collection method: clinical testing. Allele origin: germline.

GeneDx
Classification: Uncertain significance. Last evaluated: 2019-01-02. Review status: criteria provided, single submitter. Criteria: GeneDx Variant Classification Process June 2021. Collection method: clinical testing. Allele origin: germline. Affected: yes.
Comment: In-silico analysis, which includes splice predictors and evolutionary conservation, is inconclusive as to whether the variant alters gene splicing. In the absence of RNA/functional studies, the actual effect of this sequence change is unknown.; Has not been previously published as pathogenic or benign to our knowledge

Ambry Genetics
Classification: Likely benign for Inborn genetic diseases. Last evaluated: 2017-01-25. Review status: criteria provided, single submitter. Criteria: Ambry Variant Classification Scheme 2023. Collection method: clinical testing. Allele origin: germline.